The following is an entry in ClinVar:

NM_014141.6(CNTNAP2):c.1897+25A>G

Gene: CNTNAP2 (contactin associated protein 2; plus strand). Cytogenetic location: 7q35.
Variant type: single nucleotide variant.
Coding change: c.1897+25A>G on transcript NM_014141.6 (MANE Select); 25 bases into the intron after coding-DNA position 1897, A replaced by G.
Molecular consequence: intron variant.
Genome position (GRCh38, 1-based): chr7:147,562,282, A>G. VCF-style: chr7-147562282-A-G. GRCh37 (hg19) VCF-style: chr7-147259374-A-G.
Identifiers: ClinVar variation 670632 (VCV000670632.5), dbSNP rs2074715, ClinGen allele CA4546234.

ClinVar aggregate classification (germline): Benign. Review status: criteria provided, multiple submitters, no conflicts (2 of 4 stars). 3 submissions from 3 submitters: Benign (3). Last evaluated 2021-07-22.

Conditions:
Cortical dysplasia-focal epilepsy syndrome (PTHSL1). Also called: Pitt-Hopkins-like syndrome 1. Identifiers: Orphanet 163681, Orphanet 221150, MedGen C2750246, MONDO:0012400, OMIM 610042.

Allele frequency attached by ClinVar (database versions not stated): gnomAD exomes 0.46534 and 0.46868; ESP Exome Variant Server 0.46886; gnomAD 0.46942 and 0.46998; TOPMed 0.47340; 1000 Genomes Project 0.50100; 1000 Genomes Project 30x 0.50297.
gnomAD v4.1: 756,122 of 1,612,298 alleles (47%); highest among the groups gnomAD compares: East Asian, 60%; 178,422 homozygotes.

Submissions (3):

Genome-Nilou Lab
Classification: Benign for Cortical dysplasia-focal epilepsy syndrome. Last evaluated: 2021-07-22. Review status: criteria provided, single submitter. Criteria: ACMG Guidelines, 2015. Collection method: clinical testing. Allele origin: germline. Affected: no.

GeneDx
Classification: Benign. Last evaluated: 2018-06-14. Review status: criteria provided, single submitter. Criteria: GeneDx Variant Classification (06012015). Collection method: clinical testing. Allele origin: germline. Affected: yes.
Comment: This variant is considered likely benign or benign based on one or more of the following criteria: it is a conservative change, it occurs at a poorly conserved position in the protein, it is predicted to be benign by multiple in silico algorithms, and/or has population frequency not consistent with disease.

Breakthrough Genomics
Classification: Benign. Review status: criteria provided, single submitter. Criteria: ACMG Guidelines, 2015. Collection method: not provided. Allele origin: germline. Inheritance: Autosomal recessive inheritance. Affected: yes.